The following is an entry in ClinVar:

ClinVar aggregate classification (germline): Pathogenic. Review status: criteria provided, single submitter (1 of 4 stars). 2 submissions from 2 submitters: Pathogenic (1). 1 of the submissions does not count toward it. Last evaluated 2021-06-30.

Conditions:
Nephronophthisis 16 (NPHP16). Identifiers: Orphanet 655, MedGen C3809320, MONDO:0014158, OMIM 615382.

Submissions (2):

Fulgent Genetics
Classification: Pathogenic for Nephronophthisis 16. Last evaluated: 2021-06-30. Review status: criteria provided, single submitter. Criteria: ACMG Guidelines, 2015. Collection method: clinical testing. Allele origin: unknown.
Comment: This variant has been detected in individual(s) who were sent for testing of Renasight - kidney gene panel.

Gharavi Laboratory, Columbia University
Classification: Uncertain significance. Last evaluated: 2018-09-16. Review status: no assertion criteria provided. Criteria: ACMG Guidelines, 2015. Collection method: research. Allele origin: germline. Affected: yes. Not counted in ClinVar's aggregate classification.

NM_173551.5(ANKS6):c.130_157del (p.Glu44fs)

Gene: ANKS6 (ankyrin repeat and sterile alpha motif domain containing 6; minus strand). Cytogenetic location: 9q22.33.
Variant type: Deletion.
Coding change: c.130_157del on transcript NM_173551.5 (MANE Select); coding-DNA positions 130 to 157, 28 bases deleted (GAGGCGGGCGCGGAGCCGGCGGGGGCCG).
Protein change: p.Glu44fs; shifts the reading frame from glutamic acid 44.
Molecular consequence: frameshift variant.
Genome position (GRCh38, 1-based): chr9:98,796,335-98,796,362, CGGCCCCCGCCGGCTCCGCGCCCGCCTC deleted on the plus strand (GAGGCGGGCGCGGAGCCGGCGGGGGCCG on the coding strand, the reverse complement: ANKS6 is on the minus strand); deleting any 28 consecutive bases within chr9:98,796,335-98,796,366 gives the same sequence; the c. name uses the placement nearest the transcript's 3' end. VCF-style (leftmost placement, unchanged base first): chr9-98796334-TCGGCCCCCGCCGGCTCCGCGCCCGCCTC-T. GRCh37 (hg19) VCF-style: chr9-101558616-TCGGCCCCCGCCGGCTCCGCGCCCGCCTC-T.
Other names: short protein forms E44fs.
Identifiers: ClinVar variation 591737 (VCV000591737.3), dbSNP rs1564236717, ClinGen allele CA891862823.